The following is an entry in ClinVar:

ClinVar aggregate classification (germline): Uncertain significance (1 of 4 stars; one submission).

Submission:

GeneDx
Classification: Uncertain significance. Last evaluated: 2026-03-14. Review status: criteria provided, single submitter. Criteria: GeneDx Variant Classification Process June 2021. Collection method: clinical testing. Allele origin: germline.
Comment: Not observed at significant frequency in large population cohorts (gnomAD); In silico analysis suggests that this missense variant does not alter protein structure/function; Has not been previously published as pathogenic or benign to our knowledge

NM_018489.3(ASH1L):c.6740C>T (p.Ala2247Val)

Gene: ASH1L (ASH1 like histone lysine methyltransferase; minus strand). Cytogenetic location: 1q22.
Variant type: single nucleotide variant.
Coding change: c.6740C>T on transcript NM_018489.3 (MANE Select); coding-DNA position 6740, C replaced by T.
Protein change: p.Ala2247Val; replaces alanine 2247 with valine.
Molecular consequence: missense variant.
Genome position (GRCh38, 1-based): chr1:155,360,356, G>A on the plus strand (C>T on the coding strand, the complement: ASH1L is on the minus strand). VCF-style: chr1-155360356-G-A. GRCh37 (hg19) VCF-style: chr1-155330147-G-A.
Other names: c.6755C>T, p.Ala2252Val (NM_001366177.2); short protein forms A2252V, A2247V.
Identifiers: ClinVar variation 5009229 (VCV005009229.1).
Genomic context (GRCh38, chr1:155,360,356, plus strand): 5'-CTTACCTGTTTTTCCACATTGAAGGAATGAAAGTTATAATCATAAGTGAGTTCAGTCCCA[G>A]CTGGCATGTCTTTAAGAGCATAGAGTCCAATCCGGTATACTCCATTAACAGACCTGTAAA-3'
Protein context (NP_060959.2, residues 2237-2257): IGLYALKDMP[Ala2247Val]GTELTYDYNF